The following is an entry in ClinVar:

NM_001004334.4(GPR179):c.2519C>T (p.Ser840Leu)

Gene: GPR179 (G protein-coupled receptor 179; minus strand). Cytogenetic location: 17q12.
Variant type: single nucleotide variant.
Coding change: c.2519C>T on transcript NM_001004334.4 (MANE Select); coding-DNA position 2519, C replaced by T.
Protein change: p.Ser840Leu; replaces serine 840 with leucine.
Molecular consequence: missense variant.
Genome position (GRCh38, 1-based): chr17:38,331,050, G>A on the plus strand (C>T on the coding strand, the complement: GPR179 is on the minus strand). VCF-style: chr17-38331050-G-A. GRCh37 (hg19) VCF-style: chr17-36486933-G-A.
Other names: short protein forms S840L.
Identifiers: ClinVar variation 1347009 (VCV001347009.8), dbSNP rs376149092, ClinGen allele CA290105745.
Genomic context (GRCh38, chr17:38,331,050, plus strand): 5'-TCCAGGTAGGCCTGGCTGGCCATGAGCAAGGCCTTTTCCCTGGAGCTGGCCACACTGAGC[G>A]ACTTCTGCAGAGAGGCGGGCCGGGCTCTGGGTAGCCTCTCTCCCACCGTCAGGTTGTGGG-3'
Protein context (NP_001004334.3, residues 830-850): PRARPASLQK[Ser840Leu]LSVASSREKA

ClinVar aggregate classification (germline): Uncertain significance (1 of 4 stars; one submission).

Allele frequency attached by ClinVar (database versions not stated): gnomAD 0.00001; gnomAD exomes 0.00001 and 0.00002; ExAC 0.00004; ESP Exome Variant Server 0.00008.
gnomAD v4.1: 15 of 1,607,348 alleles (0.00093%); highest among the groups gnomAD compares: South Asian, 0.011%; no homozygotes.

Submission:

Labcorp Genetics (formerly Invitae), Labcorp
Classification: Uncertain significance. Last evaluated: 2025-05-05. Review status: criteria provided, single submitter. Criteria: Invitae Variant Classification Sherloc (09022015). Collection method: clinical testing. Allele origin: germline.
Comment: This sequence change replaces serine, which is neutral and polar, with leucine, which is neutral and non-polar, at codon 840 of the GPR179 protein (p.Ser840Leu). This variant is present in population databases (rs376149092, gnomAD 0.02%). This variant has not been reported in the literature in individuals affected with GPR179-related conditions. ClinVar contains an entry for this variant (Variation ID: 1347009). An algorithm developed to predict the effect of missense changes on protein structure and function (PolyPhen-2) suggests that this variant is likely to be disruptive. In summary, the available evidence is currently insufficient to determine the role of this variant in disease. Therefore, it has been classified as a Variant of Uncertain Significance.